The following is an entry in ClinVar:

ClinVar aggregate classification (germline): Conflicting classifications of pathogenicity. Review status: criteria provided, conflicting classifications (1 of 4 stars). 2 submissions from 2 submitters: Pathogenic (1); Uncertain significance (1). Last evaluated 2023-04-20.

Conditions:
Neurodevelopmental disorder with or without hyperkinetic movements and seizures, autosomal dominant. Also called: Intellectual disability, autosomal dominant 8. Identifiers: MedGen C3280282, MONDO:0013655, OMIM 614254.

Submissions (2):

Duke University Health System Sequencing Clinic, Duke University Health System
Classification: Pathogenic for Neurodevelopmental disorder with or without hyperkinetic movements and seizures, autosomal dominant. Last evaluated: 2023-04-20. Review status: criteria provided, single submitter. Criteria: ACMG Guidelines, 2015. Collection method: research. Allele origin: de novo. Affected: yes.

GeneDx
Classification: Uncertain significance. Last evaluated: 2022-07-12. Review status: criteria provided, single submitter. Criteria: GeneDx Variant Classification Process June 2021. Collection method: clinical testing. Allele origin: germline. Affected: yes.
Comment: Not observed at significant frequency in large population cohorts (gnomAD); In silico analysis supports that this missense variant has a deleterious effect on protein structure/function; Has not been previously published as pathogenic or benign to our knowledge

NM_007327.4(GRIN1):c.1687T>G (p.Trp563Gly)

Gene: GRIN1 (glutamate ionotropic receptor NMDA type subunit 1; plus strand). Cytogenetic location: 9q34.3.
Variant type: single nucleotide variant.
Coding change: c.1687T>G on transcript NM_007327.4 (MANE Select); coding-DNA position 1687, T replaced by G.
Protein change: p.Trp563Gly; replaces tryptophan 563 with glycine.
Molecular consequence: missense variant.
Genome position (GRCh38, 1-based): chr9:137,162,226, T>G. VCF-style: chr9-137162226-T-G. GRCh37 (hg19) VCF-style: chr9-140056678-T-G.
Other names: c.1687T>G, p.Trp563Gly (NM_000832.7, NM_021569.4); c.1750T>G, p.Trp584Gly (NM_001185090.2, NM_001185091.2); short protein forms W563G, W584G.
Identifiers: ClinVar variation 1879003 (VCV001879003.3), dbSNP rs2538637096, ClinGen allele CA375717962.